The following is an entry in ClinVar:

NM_000020.3(ACVRL1):c.241C>T (p.Pro81Ser)

Gene: ACVRL1 (activin A receptor like type 1; plus strand). Cytogenetic location: 12q13.13.
Variant type: single nucleotide variant.
Coding change: c.241C>T on transcript NM_000020.3 (MANE Select); coding-DNA position 241, C replaced by T.
Protein change: p.Pro81Ser; replaces proline 81 with serine.
Molecular consequence: missense variant.
Genome position (GRCh38, 1-based): chr12:51,913,278, C>T. VCF-style: chr12-51913278-C-T. GRCh37 (hg19) VCF-style: chr12-52307062-C-T.
Other names: c.241C>T, p.Pro81Ser (NM_001077401.2, NM_001406487.1, NM_001406488.1 and 6 more transcripts); short protein forms P81S.
Identifiers: ClinVar variation 1790997 (VCV001790997.2), dbSNP rs748925030, ClinGen allele CA6572838.

ClinVar aggregate classification (germline): Uncertain significance (1 of 4 stars; one submission).

Conditions:
Cardiovascular phenotype. Identifiers: MedGen CN230736.

Allele frequency attached by ClinVar (database versions not stated): gnomAD exomes below 0.00001; ExAC 0.00002.

Submission:

Ambry Genetics
Classification: Uncertain significance for Cardiovascular phenotype. Last evaluated: 2021-06-22. Review status: criteria provided, single submitter. Criteria: Ambry Variant Classification Scheme 2023. Collection method: clinical testing. Allele origin: germline.
Comment: The p.P81S variant (also known as c.241C>T), located in coding exon 2 of the ACVRL1 gene, results from a C to T substitution at nucleotide position 241. The proline at codon 81 is replaced by serine, an amino acid with similar properties. This amino acid position is conserved. In addition, the in silico prediction for this alteration is inconclusive. Since supporting evidence is limited at this time, the clinical significance of this alteration remains unclear.